The following is an entry in ClinVar:

ClinVar aggregate classification (germline): Pathogenic (1 of 4 stars; one submission).

Submission:

Quest Diagnostics Nichols Institute San Juan Capistrano
Classification: Pathogenic. Last evaluated: 2024-09-09. Review status: criteria provided, single submitter. Criteria: ACMG/ClinGen CNV Guidelines, 2019. Collection method: clinical testing. Allele origin: unknown.
Comment: This copy number gain involves multiple protein-coding genes and overlaps with the 1q21.1 duplication syndromic region (OMIM 612475). De novo and inherited duplications of the 1q21.1 locus have been associated with a highly variable phenotype (Bernier 2016, Buse 2017, Guo 2024), with incomplete penetrance and variable expressivity. References: Bernier et al. Genet Med. 2016 Apr;18(4):341-9. PMID: 26066539 Buse et al. Ital J Pediatr. 2017 Jul 19;43(1):61. PMID: 28724436 Guo et al. GeneReviews. Seattle (WA): University of Washington, Seattle; 1993 [updated 2024 Feb 1]. PMID: 21348049

GRCh37/hg19 1q21.1-21.3(chr1:145398178-151386947)x3

Genes: ACP6 (acid phosphatase 6, lysophosphatidic; minus strand), ADAMTSL4 (ADAMTS like 4; plus strand), ANKRD34A (ankyrin repeat domain 34A; minus strand), ANKRD35 (ankyrin repeat domain 35; minus strand), ANP32E (acidic nuclear phosphoprotein 32 family member E; minus strand) and 91 more. Cytogenetic location: 1q21.1-21.3.
Variant type: copy number gain.
Change: copy number 3 (three copies instead of two) of chr1:145,398,178-151,386,947 (5.99 Mb, GRCh37 coordinates, 1-based), cytogenetic band 1q21.1-21.3.
Identifiers: ClinVar variation 4682507 (VCV004682507.1).